The following is an entry in ClinVar:

ClinVar aggregate classification (germline): Uncertain significance (1 of 4 stars; one submission).

Conditions:
Dilated cardiomyopathy 1G (CMD1G). Identifiers: Orphanet 154, MedGen C1858763, MONDO:0011400, OMIM 604145.
Autosomal recessive limb-girdle muscular dystrophy type 2J (LGMDR10). Also called: Limb-girdle muscular dystrophy, type 2J; MUSCULAR DYSTROPHY, LIMB-GIRDLE, AUTOSOMAL RECESSIVE 10. Identifiers: Orphanet 140922, MedGen C1837342, MONDO:0012127, OMIM 608807.

Submission:

Labcorp Genetics (formerly Invitae), Labcorp
Classification: Uncertain significance for Dilated cardiomyopathy 1G; Autosomal recessive limb-girdle muscular dystrophy type 2J. Last evaluated: 2023-09-22. Review status: criteria provided, single submitter. Criteria: Invitae Variant Classification Sherloc (09022015). Collection method: clinical testing. Allele origin: germline.
Comment: This variant, c.107861_107869del, results in the deletion of 3 amino acid(s) of the TTN protein (p.Thr35954_Leu35956del), but otherwise preserves the integrity of the reading frame. This variant is not present in population databases (gnomAD no frequency). This variant has not been reported in the literature in individuals affected with TTN-related conditions. Experimental studies and prediction algorithms are not available or were not evaluated, and the functional significance of this variant is currently unknown. In summary, the available evidence is currently insufficient to determine the role of this variant in disease. Therefore, it has been classified as a Variant of Uncertain Significance. This variant is located in the M band of TTN (PMID: 25589632). Variants in this region may be relevant for neuromuscular disorders, but have not been definitively shown to cause cardiomyopathy (PMID: 23975875).

Literature cited by the submitters: PubMed 25589632; PubMed 23975875.

NM_001267550.2(TTN):c.107861_107869del (p.Thr35954_Leu35956del)

Genes: TTN (titin; minus strand), TTN-AS1 (TTN antisense RNA 1; plus strand). Cytogenetic location: 2q31.2.
Variant type: Deletion.
Coding change: c.107861_107869del on transcript NM_001267550.2 (MANE Select); coding-DNA positions 107861 to 107869, 9 bases deleted (CAACCCTGA; older notation c.107861_107869delCAACCCTGA).
Protein change: p.Thr35954_Leu35956del.
Molecular consequence: inframe deletion.
Genome position (GRCh38, 1-based): chr2:178,527,119-178,527,127, TCAGGGTTG deleted on the plus strand (CAACCCTGA on the coding strand, the reverse complement: TTN is on the minus strand); deleting any 9 consecutive bases within chr2:178,527,119-178,527,132 gives the same sequence; the c. name uses the placement nearest the transcript's 3' end. VCF-style (leftmost placement, unchanged base first): chr2-178527118-ATCAGGGTTG-A. GRCh37 (hg19) VCF-style: chr2-179391845-ATCAGGGTTG-A.
Other names: c.102938_102946del, p.Thr34313_Leu34315del (NM_001256850.1); c.80666_80674del, p.Thr26889_Leu26891del (NM_003319.4); c.100157_100165del, p.Thr33386_Leu33388del (NM_133378.4); c.81041_81049del, p.Thr27014_Leu27016del (NM_133432.3); c.81242_81250del, p.Thr27081_Leu27083del (NM_133437.4).
Identifiers: ClinVar variation 2952180 (VCV002952180.3), dbSNP rs2468224636, ClinGen allele CA645517732.
Genomic context (GRCh38, chr2:178,527,118, plus strand): 5'-AATTCATTCCCTAAACTCAGGGTATAAAGTCCACCATCTTGTTTCTGTACGTCCATGATG[ATCAGGGTTG>A]TCAGGTCATCTGTGTTTTCAATGTGGAACCTCCCCTGTTCTTGACTGTGGATTTTTCTTC-3'